The following is an entry in ClinVar:

NM_022041.4(GAN):c.431A>G (p.Tyr144Cys)

Gene: GAN (gigaxonin; plus strand). Cytogenetic location: 16q23.2.
Variant type: single nucleotide variant.
Coding change: c.431A>G on transcript NM_022041.4 (MANE Select); coding-DNA position 431, A replaced by G.
Protein change: p.Tyr144Cys; replaces tyrosine 144 with cysteine.
Molecular consequence: missense variant. On other transcripts: 5 prime UTR variant (1).
Genome position (GRCh38, 1-based): chr16:81,354,553, A>G. VCF-style: chr16-81354553-A-G. GRCh37 (hg19) VCF-style: chr16-81388158-A-G.
Other names: c.-209A>G (NM_001377486.1); short protein forms Y144C.
Identifiers: ClinVar variation 939235 (VCV000939235.9), dbSNP rs1910421798, ClinGen allele CA396868304.

ClinVar aggregate classification (germline): Uncertain significance (1 of 4 stars; one submission).

Conditions:
Giant axonal neuropathy 1 (GAN1). Also called: GIANT AXONAL NEUROPATHY 1, AUTOSOMAL RECESSIVE; GAN-Related Neurodegeneration. Identifiers: Orphanet 643, MedGen C1850386, MONDO:0009749, OMIM 256850.

Submission:

Labcorp Genetics (formerly Invitae), Labcorp
Classification: Uncertain significance for Giant axonal neuropathy 1. Last evaluated: 2020-01-28. Review status: criteria provided, single submitter. Criteria: Invitae Variant Classification Sherloc (09022015). Collection method: clinical testing. Allele origin: germline.
Comment: Algorithms developed to predict the effect of missense changes on protein structure and function (SIFT, PolyPhen-2, Align-GVGD) all suggest that this variant is likely to be disruptive, but these predictions have not been confirmed by published functional studies and their clinical significance is uncertain. In summary, the available evidence is currently insufficient to determine the role of this variant in disease. Therefore, it has been classified as a Variant of Uncertain Significance. This sequence change replaces tyrosine with cysteine at codon 144 of the GAN protein (p.Tyr144Cys). The tyrosine residue is highly conserved and there is a large physicochemical difference between tyrosine and cysteine. This variant is not present in population databases (ExAC no frequency). This variant has not been reported in the literature in individuals with GAN-related conditions.